The following is an entry in ClinVar:

ClinVar aggregate classification (germline): Pathogenic (1 of 4 stars; one submission).

Conditions:
Progressive sclerosing poliodystrophy (MTDPS4A). Also called: ALPERS PROGRESSIVE INFANTILE POLIODYSTROPHY; NEURONAL DEGENERATION OF CHILDHOOD WITH LIVER DISEASE, PROGRESSIVE; Mitochondrial DNA Depletion Syndrome 4A; Alpers-Huttenlocher Syndrome (AHS); Alpers Syndrome; ALPERS DIFFUSE DEGENERATION OF CEREBRAL GRAY MATTER WITH HEPATIC CIRRHOSIS. Identifiers: Orphanet 726, MedGen C0205710, MONDO:0008758, OMIM 203700.

Submission:

Labcorp Genetics (formerly Invitae), Labcorp
Classification: Pathogenic for Progressive sclerosing poliodystrophy. Last evaluated: 2023-10-09. Review status: criteria provided, single submitter. Criteria: Invitae Variant Classification Sherloc (09022015). Collection method: clinical testing. Allele origin: unknown.
Comment: This variant is a gross deletion of the genomic region encompassing exon(s) 3 of the POLG gene. This deletion is out-of-frame, and is expected to create a premature termination codon and result in an absent or disrupted protein product. Loss-of-function variants in POLG are known to be pathogenic (PMID: 18546365). This variant has not been reported in the literature in individuals affected with POLG-related conditions. For these reasons, this variant has been classified as Pathogenic.

Literature cited by the submitters: PubMed 18546365.

NC_000015.9:g.(?_89873292)_(89873527_?)del

Gene: POLG (DNA polymerase gamma, catalytic subunit; minus strand). Cytogenetic location: 15q26.1.
Variant type: Deletion.
Identifiers: ClinVar variation 3243751 (VCV003243751.1).